The following is an entry in ClinVar:

NM_004991.4(MECOM):c.1763C>G (p.Pro588Arg)

Gene: MECOM (MDS1 and EVI1 complex locus; minus strand). Cytogenetic location: 3q26.2.
Variant type: single nucleotide variant.
Coding change: c.1763C>G on transcript NM_004991.4 (MANE Select); coding-DNA position 1763, C replaced by G.
Protein change: p.Pro588Arg; replaces proline 588 with arginine.
Molecular consequence: missense variant. On other transcripts: intron variant (2).
Genome position (GRCh38, 1-based): chr3:169,116,109, G>C on the plus strand (C>G on the coding strand, the complement: MECOM is on the minus strand). VCF-style: chr3-169116109-G-C. GRCh37 (hg19) VCF-style: chr3-168833897-G-C.
Other names: c.1394C>G, p.Pro465Arg (NM_001105077.4); c.1199C>G, p.Pro400Arg (NM_001105078.4, NM_001164000.2, NM_001205194.2 and 4 more transcripts); c.1202C>G, p.Pro401Arg (NM_001163999.2, NM_001366467.2, NM_001366468.2 and 1 more transcripts); c.1763C>G, p.Pro588Arg (NM_001366466.2); c.1133-342C>G (NM_001366473.2); c.569-342C>G (NM_001366474.2); short protein forms P401R, P465R, P400R, P588R.
Identifiers: ClinVar variation 4053197 (VCV004053197.1).

ClinVar aggregate classification (germline): Uncertain significance (1 of 4 stars; one submission).

Conditions:
Inborn genetic diseases. Identifiers: MedGen C0950123, MeSH D030342.

gnomAD v4.1: 13 of 1,613,962 alleles (0.00081%); highest among the groups gnomAD compares: Admixed American, 0.022%; no homozygotes.

Submission:

Ambry Genetics
Classification: Uncertain significance for Inborn genetic diseases. Last evaluated: 2025-04-18. Review status: criteria provided, single submitter. Criteria: Ambry Variant Classification Scheme 2023. Collection method: clinical testing. Allele origin: germline.
Comment: The p.P588R variant (also known as c.1763C>G), located in coding exon 8 of the MECOM gene, results from a C to G substitution at nucleotide position 1763. The proline at codon 588 is replaced by arginine, an amino acid with dissimilar properties. This amino acid position is conserved. In addition, the in silico prediction for this alteration is inconclusive. Based on the available evidence, the clinical significance of this variant remains unclear.